The following is an entry in ClinVar:

NM_032043.3(BRIP1):c.620C>T (p.Pro207Leu)

Gene: BRIP1 (BRCA1 interacting DNA helicase 1; minus strand). Cytogenetic location: 17q23.2.
Variant type: single nucleotide variant.
Coding change: c.620C>T on transcript NM_032043.3 (MANE Select); coding-DNA position 620, C replaced by T.
Protein change: p.Pro207Leu; replaces proline 207 with leucine.
Molecular consequence: missense variant.
Genome position (GRCh38, 1-based): chr17:61,847,108, G>A on the plus strand (C>T on the coding strand, the complement: BRIP1 is on the minus strand). VCF-style: chr17-61847108-G-A. GRCh37 (hg19) VCF-style: chr17-59924469-G-A.
Other names: short protein forms P207L.
Identifiers: ClinVar variation 1384141 (VCV001384141.9), dbSNP rs2145741807, ClinGen allele CA400482801.
Genomic context (GRCh38, chr17:61,847,108, plus strand): 5'-AGAAAATTCCATATCTTCCTTCTTTAAAACTGAACAATGGCATTAATACATACTTTCTGT[G>A]GCGAAAAGGAGTTTATCTTTTCCAGTGGAGAGTTGAGTTTTACAGTCTTTCCTGAATCAA-3'
Protein context (NP_114432.2, residues 197-217): SPLEKINSFS[Pro207Leu]QKPPGHCSRC

ClinVar aggregate classification (germline): Uncertain significance (1 of 4 stars; one submission).

Conditions:
Familial cancer of breast. Also called: BREAST CANCER, FAMILIAL; Hereditary breast cancer; hereditary breast carcinoma. Identifiers: Orphanet 227535, MedGen C0346153, MONDO:0016419, OMIM 114480. Disease mechanism: loss of function.
Fanconi anemia complementation group J. Also called: BRIP1-Related Fanconi Anemia. Identifiers: Orphanet 84, MedGen C1836860, MONDO:0012187, OMIM 609054.

Submission:

Labcorp Genetics (formerly Invitae), Labcorp
Classification: Uncertain significance for Familial cancer of breast; Fanconi anemia complementation group J. Last evaluated: 2023-12-03. Review status: criteria provided, single submitter. Criteria: Invitae Variant Classification Sherloc (09022015). Collection method: clinical testing. Allele origin: germline.
Comment: This sequence change replaces proline, which is neutral and non-polar, with leucine, which is neutral and non-polar, at codon 207 of the BRIP1 protein (p.Pro207Leu). This variant is not present in population databases (gnomAD no frequency). This variant has not been reported in the literature in individuals affected with BRIP1-related conditions. ClinVar contains an entry for this variant (Variation ID: 1384141). Advanced modeling of protein sequence and biophysical properties (such as structural, functional, and spatial information, amino acid conservation, physicochemical variation, residue mobility, and thermodynamic stability) performed at Invitae indicates that this missense variant is not expected to disrupt BRIP1 protein function with a negative predictive value of 80%. In summary, the available evidence is currently insufficient to determine the role of this variant in disease. Therefore, it has been classified as a Variant of Uncertain Significance.